The following is an entry in ClinVar:

ClinVar aggregate classification (germline): Likely pathogenic. Review status: criteria provided, multiple submitters, no conflicts (2 of 4 stars). 2 submissions from 2 submitters: Likely pathogenic (2). Last evaluated 2025-10-06.

Conditions:
Hypertrophic cardiomyopathy 1 (CMH1). Also called: Familial hypertrophic cardiomyopathy 1; MYH7-Related Familial Hypertrophic Cardiomyopathy. Identifiers: MedGen C3495498, MONDO:0008647, OMIM 192600.

Submissions (2):

3billion
Classification: Likely pathogenic for Hypertrophic cardiomyopathy 1. Last evaluated: 2025-10-06. Review status: criteria provided, single submitter. Criteria: ACMG Guidelines, 2015. Collection method: clinical testing. Allele origin: germline. Affected: yes.
Comment: The variant is not observed in the gnomAD v4.1.0 dataset. Predicted Consequence/Location: The variant is located in a mutational hot spot and/or well-established functional domain in which established pathogenic variants have been reported (PMID: 29300372). In silico tool predictions suggest damaging effect of the variant on gene or gene product [REVEL: 0.78 (>=0.6, sensitivity 0.68 and specificity 0.92); 3Cnet: 0.99 (> 0.75, sensitivity 0.96 and precision 0.92)]. The same nucleotide change resulting in the same amino acid change has been previously reported to be associated with MYH7-related disorder (ClinVar ID: VCV000429937 /PMID: 12566107 /3billion dataset). A different missense change at the same codon (p.Leu601Phe) has been reported to be associated with MYH7-related disorder (ClinVar ID: VCV000574861 /PMID: 16858239). Therefore, this variant is classified as Likely pathogenic according to the recommendation of ACMG/AMP guideline.

GeneDx
Classification: Likely pathogenic. Last evaluated: 2015-12-01. Review status: criteria provided, single submitter. Criteria: GeneDx Variant Classification (06012015). Collection method: clinical testing. Allele origin: germline. Affected: yes.
Comment: The L601V variant was not observed in approximately 6,500 individuals of European and African American ancestry in the NHLBI Exome Sequencing Project, indicating it is not a common benign variant in these populations. Although the L601V variant is a conservative amino acid substitution, which is not likely to impact secondary protein structure as these residues share similar properties, this substitution occurs at a position that is conserved across species. Furthermore, in silico analysis predicts this variant is probably damaging to the protein structure/function. Lastly, a missense variant affecting the same residue (L601F) and missense variants in nearby residues (I519T, N602S, V606L, V606M, G607D) have been reported in the Human Gene Mutation Database in association with cardiomyopathy (Stenson et al., 2014), supporting the functional importance of this residue and region of the protein.

Literature cited by the submitters: PubMed 12566107 (cited by 3billion); PubMed 16858239 (cited by 3billion).

NM_000257.4(MYH7):c.1801C>G (p.Leu601Val)

Gene: MYH7 (myosin heavy chain 7; minus strand). Cytogenetic location: 14q11.2.
Variant type: single nucleotide variant.
Coding change: c.1801C>G on transcript NM_000257.4 (MANE Select); coding-DNA position 1801, C replaced by G.
Protein change: p.Leu601Val; replaces leucine 601 with valine.
Molecular consequence: missense variant.
Genome position (GRCh38, 1-based): chr14:23,427,672, G>C on the plus strand (C>G on the coding strand, the complement: MYH7 is on the minus strand). VCF-style: chr14-23427672-G-C. GRCh37 (hg19) VCF-style: chr14-23896881-G-C.
Other names: c.1801C>G (LRG_384t1); short protein forms L601V.
Identifiers: ClinVar variation 429937 (VCV000429937.4), dbSNP rs1131691685, ClinGen allele CA389049786.